The following is an entry in ClinVar:

ClinVar aggregate classification (germline): Uncertain significance (1 of 4 stars; one submission).

gnomAD v4.1: 29 of 1,609,126 alleles (0.0018%); highest among the groups gnomAD compares: Non-Finnish European, 0.0025%; no homozygotes.

Submission:

Labcorp Genetics (formerly Invitae), Labcorp
Classification: Uncertain significance. Last evaluated: 2021-07-25. Review status: criteria provided, single submitter. Criteria: Invitae Variant Classification Sherloc (09022015). Collection method: clinical testing. Allele origin: germline.
Comment: In summary, the available evidence is currently insufficient to determine the role of this variant in disease. Therefore, it has been classified as a Variant of Uncertain Significance. Advanced modeling of protein sequence and biophysical properties (such as structural, functional, and spatial information, amino acid conservation, physicochemical variation, residue mobility, and thermodynamic stability) performed at Invitae indicates that this missense variant is expected to disrupt KCNV2 protein function. This variant has not been reported in the literature in individuals affected with KCNV2-related conditions. This variant is not present in population databases (ExAC no frequency). This sequence change replaces alanine with threonine at codon 451 of the KCNV2 protein (p.Ala451Thr). The alanine residue is highly conserved and there is a small physicochemical difference between alanine and threonine.

NM_133497.4(KCNV2):c.1351G>A (p.Ala451Thr)

Gene: KCNV2 (potassium voltage-gated channel modifier subfamily V member 2; plus strand). Cytogenetic location: 9p24.2.
Variant type: single nucleotide variant.
Coding change: c.1351G>A on transcript NM_133497.4 (MANE Select); coding-DNA position 1351, G replaced by A.
Protein change: p.Ala451Thr; replaces alanine 451 with threonine.
Molecular consequence: missense variant.
Genome position (GRCh38, 1-based): chr9:2,719,090, G>A. VCF-style: chr9-2719090-G-A. GRCh37 (hg19) VCF-style: chr9-2719090-G-A.
Other names: short protein forms A451T.
Identifiers: ClinVar variation 1480885 (VCV001480885.8), dbSNP rs370789466, ClinGen allele CA372802784.
Genomic context (GRCh38, chr9:2,719,090, plus strand): 5'-TCTGTGGAGCACGATGTGCCCAGCACCAACTTCACTACCATCCCCCACTCCTGGTGGTGG[G>A]CCGCGGTGAGTACCTTTGCCCTGGGCTTTCCCATCCTCTTCCCCAGCCCAGTGAGCTGCT-3'
Protein context (NP_598004.1, residues 441-461): FTTIPHSWWW[Ala451Thr]AVSISTVGYG